The following continues an entry in ClinVar:

NM_000492.4(CFTR):c.601G>A (p.Val201Met)

Gene: CFTR. ClinVar aggregate classification (germline): Uncertain significance. Uncertain significance (1).

Submissions 19 to 22 of 22:

Juno Genomics, Hangzhou Juno Genomics, Inc
Classification: Uncertain significance for Congenital bilateral aplasia of vas deferens from CFTR mutation; Cystic fibrosis. Review status: criteria provided, single submitter. Criteria: ACMG Guidelines, 2015. Collection method: clinical testing. Allele origin: germline. Not counted in ClinVar's aggregate classification.
Comment: Absent from controls (or at extremely low frequency if recessive) in Genome Aggregation Database.;Multiple lines of computational evidence support a deleterious effect on the gene or gene product.;For recessive disorders, detected in trans with a pathogenic variant.;Patient's phenotype or family history is highly specific for a disease with a single genetic etiology.

Genome Diagnostics Laboratory, The Hospital for Sick Children
Classification: Uncertain significance for CFTR-related disorders. Last evaluated: 2021-03-26. Review status: no assertion criteria provided. Collection method: clinical testing. Allele origin: germline. Not counted in ClinVar's aggregate classification.

Natera, Inc.
Classification: Uncertain significance for CFTR-related disorders. Last evaluated: 2019-05-20. Review status: no assertion criteria provided. Collection method: clinical testing. Allele origin: germline. Not counted in ClinVar's aggregate classification.

Counsyl
Classification: Uncertain significance for Cystic fibrosis. Last evaluated: 2017-03-31. Review status: no assertion criteria provided. Collection method: clinical testing. Allele origin: unknown. Not counted in ClinVar's aggregate classification.

Literature cited by the submitters: PubMed 15287992 (cited by 4 submitters); PubMed 16963320 (cited by Labcorp Genetics (formerly Invitae), Labcorp and Quest Diagnostics Nichols Institute San Juan Capistrano); PubMed 19897426 (cited by Labcorp Genetics (formerly Invitae), Labcorp and Quest Diagnostics Nichols Institute San Juan Capistrano); PubMed 21520337 (cited by 5 submitters); PubMed 21658649 (cited by Labcorp Genetics (formerly Invitae), Labcorp and Quest Diagnostics Nichols Institute San Juan Capistrano); PubMed 25910067 (cited by 5 submitters); PubMed 27738188 (cited by 4 submitters); PubMed 30232781 (cited by 5 submitters); PubMed 22148899 (cited by 3 submitters); PubMed 21708286 (cited by Labcorp Genetics (formerly Invitae), Labcorp and Quest Diagnostics Nichols Institute San Juan Capistrano); PubMed 33260873 (cited by Dasa and Quest Diagnostics Nichols Institute San Juan Capistrano); PubMed 10794365 (cited by 6 submitters); PubMed 33020115 (cited by Dasa and Quest Diagnostics Nichols Institute San Juan Capistrano); PubMed 32819855 (cited by Dasa and Quest Diagnostics Nichols Institute San Juan Capistrano); PubMed 32777524 (cited by Dasa and Quest Diagnostics Nichols Institute San Juan Capistrano); PubMed 32357917 (cited by 3 submitters); PubMed 31665830 (cited by Dasa and Quest Diagnostics Nichols Institute San Juan Capistrano); PubMed 31883651 (cited by Dasa and Quest Diagnostics Nichols Institute San Juan Capistrano); PubMed 18703181 (cited by 3 submitters); PubMed 32687833 (cited by Dasa and Quest Diagnostics Nichols Institute San Juan Capistrano); PubMed 32172930 (cited by Dasa and Quest Diagnostics Nichols Institute San Juan Capistrano); PubMed 20217271 (cited by Women's Health and Genetics/Laboratory Corporation of America, LabCorp and Quest Diagnostics Nichols Institute San Juan Capistrano); PubMed 15905293 (cited by 3 submitters); PubMed 14998948 (cited by 3 submitters); PubMed 20021716 (cited by Women's Health and Genetics/Laboratory Corporation of America, LabCorp); PubMed 29805046 (cited by 4 submitters); PubMed 24762087 (cited by Women's Health and Genetics/Laboratory Corporation of America, LabCorp); PubMed 32784480 (cited by Women's Health and Genetics/Laboratory Corporation of America, LabCorp); PubMed 36409994 (cited by Women's Health and Genetics/Laboratory Corporation of America, LabCorp); PubMed 36834620 (cited by Women's Health and Genetics/Laboratory Corporation of America, LabCorp); PubMed 38388235 (cited by Women's Health and Genetics/Laboratory Corporation of America, LabCorp and Ambry Genetics); PubMed 36796836 (cited by Women's Health and Genetics/Laboratory Corporation of America, LabCorp); PubMed 38695616 (cited by Women's Health and Genetics/Laboratory Corporation of America, LabCorp); PubMed 36832409 (cited by Women's Health and Genetics/Laboratory Corporation of America, LabCorp); PubMed 37431359 (cited by Women's Health and Genetics/Laboratory Corporation of America, LabCorp and Quest Diagnostics Nichols Institute San Juan Capistrano); PubMed 39402445 (cited by Women's Health and Genetics/Laboratory Corporation of America, LabCorp); PubMed 39570414 (cited by Women's Health and Genetics/Laboratory Corporation of America, LabCorp); PubMed 35451201 (cited by Quest Diagnostics Nichols Institute San Juan Capistrano); PubMed 35527187 (cited by Quest Diagnostics Nichols Institute San Juan Capistrano and Mayo Clinic Laboratories, Mayo Clinic); PubMed 24525081 (cited by Quest Diagnostics Nichols Institute San Juan Capistrano and Counsyl); PubMed 23687349 (cited by Quest Diagnostics Nichols Institute San Juan Capistrano and Counsyl); PubMed 21184098 (cited by Quest Diagnostics Nichols Institute San Juan Capistrano and Ambry Genetics); PubMed 17272608 (cited by Quest Diagnostics Nichols Institute San Juan Capistrano and Counsyl); PubMed 20512161 (cited by Quest Diagnostics Nichols Institute San Juan Capistrano); PubMed 32484936 (cited by Quest Diagnostics Nichols Institute San Juan Capistrano); PubMed 36552859 (cited by Quest Diagnostics Nichols Institute San Juan Capistrano and Mayo Clinic Laboratories, Mayo Clinic); PubMed 36982273 (cited by Quest Diagnostics Nichols Institute San Juan Capistrano); PubMed 9598638 (cited by Quest Diagnostics Nichols Institute San Juan Capistrano); PubMed 23951356 (cited by Quest Diagnostics Nichols Institute San Juan Capistrano and Eurofins Ntd Llc (ga)); PubMed 28546993 (cited by Quest Diagnostics Nichols Institute San Juan Capistrano); PubMed 25087612 (cited by Quest Diagnostics Nichols Institute San Juan Capistrano); PubMed 28978796 (cited by Quest Diagnostics Nichols Institute San Juan Capistrano); PubMed 20880762 (cited by Quest Diagnostics Nichols Institute San Juan Capistrano); PubMed 25033378 (cited by Quest Diagnostics Nichols Institute San Juan Capistrano); PubMed 10386624 (cited by Quest Diagnostics Nichols Institute San Juan Capistrano); PubMed 33572515 (cited by Quest Diagnostics Nichols Institute San Juan Capistrano); PubMed 25583415 (cited by Ambry Genetics).